The following is an entry in ClinVar:

NM_001130823.3(DNMT1):c.1070A>G (p.Lys357Arg)

Gene: DNMT1 (DNA methyltransferase 1; minus strand). Cytogenetic location: 19p13.2.
Variant type: single nucleotide variant.
Coding change: c.1070A>G on transcript NM_001130823.3 (MANE Select); coding-DNA position 1070, A replaced by G.
Protein change: p.Lys357Arg; replaces lysine 357 with arginine.
Molecular consequence: missense variant.
Genome position (GRCh38, 1-based): chr19:10,160,037, T>C on the plus strand (A>G on the coding strand, the complement: DNMT1 is on the minus strand). VCF-style: chr19-10160037-T-C. GRCh37 (hg19) VCF-style: chr19-10270713-T-C.
Other names: c.1022A>G, p.Lys341Arg (NM_001318730.2, NM_001379.4); c.707A>G, p.Lys236Arg (NM_001318731.2); short protein forms K236R, K341R, K357R.
Identifiers: ClinVar variation 2572803 (VCV002572803.1), dbSNP rs750700551, ClinGen allele CA9188404.

ClinVar aggregate classification (germline): Uncertain significance (1 of 4 stars; one submission).

Allele frequency attached by ClinVar (database versions not stated): ExAC 0.00001.
gnomAD v4.1: 1 of 1,612,180 alleles (0.000062%); highest among the groups gnomAD compares: East Asian, 0.0022%; no homozygotes.

Submission:

GeneDx
Classification: Uncertain significance. Last evaluated: 2023-01-11. Review status: criteria provided, single submitter. Criteria: GeneDx Variant Classification Process June 2021. Collection method: clinical testing. Allele origin: germline. Affected: yes.
Comment: In silico analysis supports that this missense variant does not alter protein structure/function; Has not been previously published as pathogenic or benign to our knowledge